The following is an entry in ClinVar:

ClinVar aggregate classification (germline): Conflicting classifications of pathogenicity. Review status: criteria provided, conflicting classifications (1 of 4 stars). 6 submissions from 6 submitters: Uncertain significance (4); Likely benign (2). Last evaluated 2025-12-22.

Conditions:
Ehlers-Danlos syndrome, kyphoscoliotic type 1 (EDSKSCL1). Also called: Ehlers-Danlos syndrome, hydroxylysine-deficient; PLOD1-Related Kyphoscoliotic Ehlers-Danlos Syndrome; EHLERS-DANLOS SYNDROME, TYPE VIA; EHLERS-DANLOS SYNDROME, OCULAR-SCOLIOTIC TYPE. Identifiers: Orphanet 1900, MedGen C0268342, MONDO:0016002, OMIM 225400. Disease mechanism: loss of function.
Familial thoracic aortic aneurysm and aortic dissection (TAAD). Also called: Thoracic aortic aneurysms and dissections. Identifiers: Orphanet 91387, MedGen C4707243, MONDO:0019625.

Allele frequency attached by ClinVar (database versions not stated): gnomAD exomes 0.00007 and 0.00013; ESP Exome Variant Server 0.00008; TOPMed 0.00008; gnomAD 0.00013; 1000 Genomes Project 30x 0.00016; ExAC 0.00016; 1000 Genomes Project 0.00020.
gnomAD v4.1: 126 of 1,608,440 alleles (0.0078%); highest among the groups gnomAD compares: East Asian, 0.13%; 1 homozygote.

Submissions (6):

Labcorp Genetics (formerly Invitae), Labcorp
Classification: Likely benign for Ehlers-Danlos syndrome, kyphoscoliotic type 1. Last evaluated: 2025-12-22. Review status: criteria provided, single submitter. Criteria: Invitae Variant Classification Sherloc (09022015). Collection method: clinical testing. Allele origin: germline.

Ambry Genetics
Classification: Uncertain significance for Familial thoracic aortic aneurysm and aortic dissection. Last evaluated: 2025-11-05. Review status: criteria provided, single submitter. Criteria: Ambry Variant Classification Scheme 2023. Collection method: clinical testing. Allele origin: germline.
Comment: The p.I280T variant (also known as c.839T>C), located in coding exon 8 of the PLOD1 gene, results from a T to C substitution at nucleotide position 839. The isoleucine at codon 280 is replaced by threonine, an amino acid with similar properties. This amino acid position is conserved. In addition, this alteration is predicted to be tolerated by in silico analysis. Since supporting evidence is limited at this time, the clinical significance of this alteration remains unclear.

CeGaT Center for Human Genetics Tuebingen
Classification: Likely benign. Last evaluated: 2025-08-01. Review status: criteria provided, single submitter. Criteria: CeGaT Center For Human Genetics Tuebingen Variant Classification Criteria Version 2. Collection method: clinical testing. Allele origin: germline. Affected: yes. Observed: 1 variant allele.
Comment: PLOD1: BP4

Women's Health and Genetics/Laboratory Corporation of America, LabCorp
Classification: Uncertain significance. Last evaluated: 2025-04-14. Review status: criteria provided, single submitter. Criteria: LabCorp Variant Classification Summary - May 2015. Collection method: clinical testing. Allele origin: germline.
Comment: Variant summary: PLOD1 c.839T>C (p.Ile280Thr) results in a non-conservative amino acid change in the encoded protein sequence. Three of five in-silico tools predict a benign effect of the variant on protein function. The variant allele was found at a frequency of 0.00013 in 251266 control chromosomes. This frequency is not significantly higher than estimated for a pathogenic variant in PLOD1 causing Ehlers-Danlos syndrome, kyphoscoliotic type 1, allowing no conclusion about variant significance. To our knowledge, no occurrence of c.839T>C in individuals affected with Ehlers-Danlos syndrome, kyphoscoliotic type 1 and no experimental evidence demonstrating its impact on protein function have been reported. ClinVar contains an entry for this variant (Variation ID: 647692). Based on the evidence outlined above, the variant was classified as uncertain significance.

Blueprint Genetics
Classification: Uncertain significance. Last evaluated: 2024-11-25. Review status: criteria provided, single submitter. Criteria: ACMG Guidelines, 2015. Collection method: clinical testing. Allele origin: germline.

Breakthrough Genomics
Classification: Uncertain significance. Review status: criteria provided, single submitter. Criteria: ACMG Guidelines, 2015. Collection method: not provided. Allele origin: germline. Inheritance: Autosomal recessive inheritance. Affected: yes.

NM_000302.4(PLOD1):c.839T>C (p.Ile280Thr)

Gene: PLOD1 (procollagen-lysine,2-oxoglutarate 5-dioxygenase 1; plus strand). Cytogenetic location: 1p36.22.
Variant type: single nucleotide variant.
Coding change: c.839T>C on transcript NM_000302.4 (MANE Select); coding-DNA position 839, T replaced by C.
Protein change: p.Ile280Thr; replaces isoleucine 280 with threonine.
Molecular consequence: missense variant.
Genome position (GRCh38, 1-based): chr1:11,957,939, T>C. VCF-style: chr1-11957939-T-C. GRCh37 (hg19) VCF-style: chr1-12017996-T-C.
Other names: c.980T>C, p.Ile327Thr (NM_001316320.2); short protein forms I327T, I280T.
Identifiers: ClinVar variation 647692 (VCV000647692.22), dbSNP rs199669594, ClinGen allele CA598156.